The following is an entry in ClinVar:

NM_000138.5(FBN1):c.4443C>T (p.Ser1481=)

Gene: FBN1 (fibrillin 1; minus strand). Cytogenetic location: 15q21.1.
Variant type: single nucleotide variant.
Coding change: c.4443C>T on transcript NM_000138.5 (MANE Select); coding-DNA position 4443, C replaced by T.
Protein change: p.Ser1481=; no amino-acid change (serine 1481 retained).
Molecular consequence: synonymous variant.
Genome position (GRCh38, 1-based): chr15:48,470,650, G>A on the plus strand (C>T on the coding strand, the complement: FBN1 is on the minus strand). VCF-style: chr15-48470650-G-A. GRCh37 (hg19) VCF-style: chr15-48762847-G-A.
Identifiers: ClinVar variation 237090 (VCV000237090.24), dbSNP rs145040593, ClinGen allele CA052995.

ClinVar aggregate classification (germline): Conflicting classifications of pathogenicity. Review status: criteria provided, conflicting classifications (1 of 4 stars). 7 submissions from 7 submitters: Uncertain significance (1); Benign (3); Likely benign (3). Last evaluated 2026-02-03.

Conditions:
Marfan syndrome (MFS). Also called: MARFAN SYNDROME, TYPE I; FBN1-Related Marfan Syndrome; Marfan syndrome, classic; Marfan syndrome type 1; Marfan's syndrome. Identifiers: Orphanet 284963, Orphanet 558, MedGen C0024796, MONDO:0007947, OMIM 154700.
Familial thoracic aortic aneurysm and aortic dissection (TAAD). Also called: Thoracic aortic aneurysms and dissections. Identifiers: Orphanet 91387, MedGen C4707243, MONDO:0019625.

Allele frequency attached by ClinVar (database versions not stated): TOPMed 0.00039; 1000 Genomes Project 0.00060; 1000 Genomes Project 30x 0.00078; ExAC 0.00013; gnomAD 0.00026 and 0.00025; ESP Exome Variant Server 0.00054; gnomAD exomes 0.00004 and 0.00013.
gnomAD v4.1: 94 of 1,614,002 alleles (0.0058%); highest among the groups gnomAD compares: African/African-American, 0.11%; no homozygotes.

Submissions (7):

Labcorp Genetics (formerly Invitae), Labcorp
Classification: Benign for Marfan syndrome; Familial thoracic aortic aneurysm and aortic dissection. Last evaluated: 2026-02-03. Review status: criteria provided, single submitter. Criteria: Invitae Variant Classification Sherloc (09022015). Collection method: clinical testing. Allele origin: germline.

CHEO Genetics Diagnostic Laboratory, Children's Hospital of Eastern Ontario
Classification: Benign for Familial thoracic aortic aneurysm and aortic dissection. Last evaluated: 2022-04-14. Review status: criteria provided, single submitter. Criteria: ACMG Guidelines, 2015. Collection method: clinical testing. Allele origin: germline.

Blueprint Genetics
Classification: Likely benign. Last evaluated: 2019-02-26. Review status: criteria provided, single submitter. Criteria: ACMG Guidelines, 2015. Collection method: clinical testing. Allele origin: germline.

Color Diagnostics, LLC DBA Color Health
Classification: Benign for Familial thoracic aortic aneurysm and aortic dissection. Last evaluated: 2018-12-31. Review status: criteria provided, single submitter. Criteria: ACMG Guidelines, 2015. Collection method: clinical testing. Allele origin: germline.

GeneDx
Classification: Likely benign. Last evaluated: 2017-03-08. Review status: criteria provided, single submitter. Criteria: GeneDx Variant Classification (06012015). Collection method: clinical testing. Allele origin: germline. Affected: yes.
Comment: This variant is considered likely benign or benign based on one or more of the following criteria: it is a conservative change, it occurs at a poorly conserved position in the protein, it is predicted to be benign by multiple in silico algorithms, and/or has population frequency not consistent with disease.

Eurofins Ntd Llc (ga)
Classification: Uncertain significance. Last evaluated: 2016-05-02. Review status: criteria provided, single submitter. Criteria: EGL Classification Definitions 2015. Collection method: clinical testing. Allele origin: germline. Observed: 1 variant allele, 1 heterozygote.

Ambry Genetics
Classification: Likely benign for Familial thoracic aortic aneurysm and aortic dissection. Last evaluated: 2016-04-26. Review status: criteria provided, single submitter. Criteria: Ambry Variant Classification Scheme 2023. Collection method: clinical testing. Allele origin: germline.